The following is an entry in ClinVar:

ClinVar aggregate classification (germline): Pathogenic. Review status: criteria provided, multiple submitters, no conflicts (2 of 4 stars). 2 submissions from 2 submitters: Pathogenic (2). Last evaluated 2023-09-28.

Conditions:
Hereditary cancer-predisposing syndrome. Also called: Hereditary Cancer Syndrome; Hereditary neoplastic syndrome; Neoplastic Syndromes, Hereditary; Tumor predisposition. Identifiers: Orphanet 140162, MedGen C0027672, MeSH D009386, MONDO:0015356.

Submissions (2):

Labcorp Genetics (formerly Invitae), Labcorp
Classification: Pathogenic for Hereditary cancer-predisposing syndrome. Last evaluated: 2023-09-28. Review status: criteria provided, single submitter. Criteria: Invitae Variant Classification Sherloc (09022015). Collection method: clinical testing. Allele origin: germline.
Comment: This variant has not been reported in the literature in individuals affected with RAD50-related conditions. ClinVar contains an entry for this variant (Variation ID: 1750940). For these reasons, this variant has been classified as Pathogenic. This variant is not present in population databases (gnomAD no frequency). This sequence change creates a premature translational stop signal (p.Gly200Valfs*4) in the RAD50 gene. It is expected to result in an absent or disrupted protein product. Loss-of-function variants in RAD50 are known to be pathogenic (PMID: 19409520).

Ambry Genetics
Classification: Pathogenic for Hereditary cancer-predisposing syndrome. Last evaluated: 2019-11-26. Review status: criteria provided, single submitter. Criteria: Ambry Variant Classification Scheme 2023. Collection method: clinical testing. Allele origin: germline.
Comment: The c.599delG pathogenic mutation, located in coding exon 5 of the RAD50 gene, results from a deletion of one nucleotide at nucleotide position 599, causing a translational frameshift with a predicted alternate stop codon (p.G200Vfs*4). This alteration is expected to result in loss of function by premature protein truncation or nonsense-mediated mRNA decay. As such, this alteration is interpreted as a disease-causing mutation.

Literature cited by the submitters: PubMed 19409520 (cited by Labcorp Genetics (formerly Invitae), Labcorp).

NM_005732.4(RAD50):c.599del (p.Gly200fs)

Gene: RAD50 (RAD50 double strand break repair protein; plus strand). Cytogenetic location: 5q31.1.
Variant type: Deletion.
Coding change: c.599del on transcript NM_005732.4 (MANE Select); coding-DNA position 599, one base deleted (G; older notation c.599delG).
Protein change: p.Gly200fs; shifts the reading frame from glycine 200.
Molecular consequence: frameshift variant.
Genome position (GRCh38, 1-based): chr5:132,579,909, G deleted; the last of 2 consecutive G bases (chr5:132,579,908-132,579,909); deleting either gives the same sequence. VCF-style (leftmost placement, unchanged base first): chr5-132579907-AG-A. GRCh37 (hg19) VCF-style: chr5-131915599-AG-A.
Other names: short protein forms G200fs.
Identifiers: ClinVar variation 1750940 (VCV001750940.5), dbSNP rs2479617307, ClinGen allele CA2580072698.